The following is an entry in ClinVar:

ClinVar aggregate classification (germline): Uncertain significance (1 of 4 stars; one submission).

Conditions:
BAP1-related tumor predisposition syndrome (TPDS1). Also called: TUMOR PREDISPOSITION SYNDROME 1; BAP1 tumor predisposition syndrome; Tumor susceptibility linked to germline BAP1 mutations; COMMON Syndrome. Identifiers: Orphanet 289539, MedGen C3280492, MONDO:0013692, OMIM 614327.

Submission:

Labcorp Genetics (formerly Invitae), Labcorp
Classification: Uncertain significance for BAP1-related tumor predisposition syndrome. Last evaluated: 2026-01-14. Review status: criteria provided, single submitter. Criteria: Invitae Variant Classification Sherloc (09022015). Collection method: clinical testing. Allele origin: germline.
Comment: This sequence change replaces proline, which is neutral and non-polar, with arginine, which is basic and polar, at codon 88 of the BAP1 protein (p.Pro88Arg). This variant is not present in population databases (gnomAD no frequency). This variant has not been reported in the literature in individuals affected with BAP1-related conditions. Invitae Evidence Modeling of protein sequence and biophysical properties (such as structural, functional, and spatial information, amino acid conservation, physicochemical variation, residue mobility, and thermodynamic stability) indicates that this missense variant is not expected to disrupt BAP1 protein function with a negative predictive value of 80%. In summary, the available evidence is currently insufficient to determine the role of this variant in disease. Therefore, it has been classified as a Variant of Uncertain Significance.

NM_004656.4(BAP1):c.263C>G (p.Pro88Arg)

Gene: BAP1 (BRCA1 associated deubiquitinase 1; minus strand). Cytogenetic location: 3p21.1.
Variant type: single nucleotide variant.
Coding change: c.263C>G on transcript NM_004656.4 (MANE Select); coding-DNA position 263, C replaced by G.
Protein change: p.Pro88Arg; replaces proline 88 with arginine.
Molecular consequence: missense variant.
Genome position (GRCh38, 1-based): chr3:52,408,070, G>C on the plus strand (C>G on the coding strand, the complement: BAP1 is on the minus strand). VCF-style: chr3-52408070-G-C. GRCh37 (hg19) VCF-style: chr3-52442086-G-C.
Other names: c.263C>G, p.Pro88Arg (NM_001410772.1); short protein forms P88R.
Identifiers: ClinVar variation 4742187 (VCV004742187.1).